The following is an entry in ClinVar:

ClinVar aggregate classification (germline): Likely pathogenic (1 of 4 stars; one submission).

Conditions:
Charlevoix-Saguenay spastic ataxia (SACS). Also called: AUTOSOMAL RECESSIVE SPASTIC ATAXIA OF CHARLEVOIX-SAGUENAY; Spastic ataxia of Charlevoix-Saguenay; SPASTIC ATAXIA 6, AUTOSOMAL RECESSIVE. Identifiers: Orphanet 98, MedGen C1849140, MONDO:0010041, OMIM 270550.

Submission:

Natera, Inc.
Classification: Likely pathogenic for Charlevoix-Saguenay type spastic ataxia. Last evaluated: 2025-09-23. Review status: criteria provided, single submitter. Criteria: Natera Variant Classification Schema (03/2026). Collection method: clinical testing. Allele origin: germline.
Comment: The c.2898_2899insGTGATGTATAGACAGTATAGACAGTATAGACAGT variant in SACS is a frameshift variant predicted to shift the reading frame beginning at codon 967 and leads to a stop codon 15 codons downstream. This variant is expected to result in nonsense mediated decay, truncation, or a dysfunctional protein product. This variant is rare in the general population with a frequency below the threshold expected for the associated phenotype(s). Given the available evidence, this variant is classified as Likely Pathogenic.

NM_014363.6(SACS):c.2898_2899insGTGATGTATAGACAGTATAGACAGTATAGACAGT (p.Ile967fs)

Gene: SACS (sacsin molecular chaperone; minus strand). Cytogenetic location: 13q12.12.
Variant type: Insertion.
Coding change: c.2898_2899insGTGATGTATAGACAGTATAGACAGTATAGACAGT on transcript NM_014363.6 (MANE Select); coding-DNA positions 2898 to 2899, GTGATGTATAGACAGTATAGACAGTATAGACAGT inserted.
Protein change: p.Ile967fs; shifts the reading frame from isoleucine 967.
Molecular consequence: frameshift variant.
Genome position: GRCh38: chr13:23,340,977-23,340,978. GRCh37 (hg19): chr13:23,915,116-23,915,117.
Other names: c.2457_2458insGTGATGTATAGACAGTATAGACAGTATAGACAGT, p.Ile820fs (NM_001278055.2); c.2925_2926insGTGATGTATAGACAGTATAGACAGTATAGACAGT, p.Ile976fs (NM_001437336.1); short protein forms I820fs, I967fs, I976fs.
Identifiers: ClinVar variation 4815693 (VCV004815693.1).